The following is an entry in ClinVar:

NM_001378328.1(CELSR1):c.6107G>A (p.Cys2036Tyr)

Gene: CELSR1 (cadherin EGF LAG seven-pass G-type receptor 1; minus strand). Cytogenetic location: 22q13.31.
Variant type: single nucleotide variant.
Coding change: c.6107G>A on transcript NM_001378328.1 (MANE Select); coding-DNA position 6107, G replaced by A.
Protein change: p.Cys2036Tyr; replaces cysteine 2036 with tyrosine.
Molecular consequence: missense variant.
Genome position (GRCh38, 1-based): chr22:46,391,674, C>T on the plus strand (G>A on the coding strand, the complement: CELSR1 is on the minus strand). VCF-style: chr22-46391674-C-T. GRCh37 (hg19) VCF-style: chr22-46787571-C-T.
Other names: c.6107G>A, p.Cys2036Tyr (NM_014246.4); short protein forms C2036Y.
Identifiers: ClinVar variation 1723575 (VCV001723575.2), dbSNP rs2518335287, ClinGen allele CA411944318.

ClinVar aggregate classification (germline): Uncertain significance (1 of 4 stars; one submission).

Submission:

GeneDx
Classification: Uncertain significance. Last evaluated: 2022-05-09. Review status: criteria provided, single submitter. Criteria: GeneDx Variant Classification Process June 2021. Collection method: clinical testing. Allele origin: germline. Affected: yes.
Comment: Not observed at significant frequency in large population cohorts (gnomAD); In silico analysis supports that this missense variant has a deleterious effect on protein structure/function; Has not been previously published as pathogenic or benign to our knowledge